The following is an entry in ClinVar:

NM_033394.3(TANC1):c.606G>A (p.Thr202=)

Gene: TANC1 (tetratricopeptide repeat, ankyrin repeat and coiled-coil containing 1; plus strand). Cytogenetic location: 2q24.2.
Variant type: single nucleotide variant.
Coding change: c.606G>A on transcript NM_033394.3 (MANE Select); coding-DNA position 606, G replaced by A.
Protein change: p.Thr202=; no amino-acid change (threonine 202 retained).
Molecular consequence: synonymous variant. On other transcripts: intron variant (1).
Genome position (GRCh38, 1-based): chr2:159,150,480, G>A. VCF-style: chr2-159150480-G-A. GRCh37 (hg19) VCF-style: chr2-160006991-G-A.
Other names: c.603G>A, p.Thr201= (NM_001145909.2); c.501G>A, p.Thr167= (NM_001350063.2); c.606G>A, p.Thr202= (NM_001350064.2, NM_001350065.2); c.364+14182G>A (NM_001350062.2).
Identifiers: ClinVar variation 2651451 (VCV002651451.24), dbSNP rs759065591, ClinGen allele CA1921882.

ClinVar aggregate classification (germline): Likely benign (1 of 4 stars; one submission).

Allele frequency attached by ClinVar (database versions not stated): TOPMed 0.00001.
gnomAD v4.1: 26 of 1,614,016 alleles (0.0016%); highest among the groups gnomAD compares: Middle Eastern, 0.017%; no homozygotes.

Submission:

CeGaT Center for Human Genetics Tuebingen
Classification: Likely benign. Last evaluated: 2022-04-01. Review status: criteria provided, single submitter. Criteria: CeGaT Center For Human Genetics Tuebingen Variant Classification Criteria Version 2. Collection method: clinical testing. Allele origin: germline. Affected: yes. Observed: 1 variant allele.
Comment: TANC1: BP4, BP7